The following continues an entry in ClinVar:

NM_000277.3(PAH):c.898G>T (p.Ala300Ser)

ClinVar aggregate classification (germline): Pathogenic. Pathogenic (1).

Submissions 9 to 26 of 39:

Natera, Inc.
Classification: Pathogenic for Phenylketonuria. Last evaluated: 2025-10-09. Review status: criteria provided, single submitter. Criteria: Natera Variant Classification Schema (03/2026). Collection method: clinical testing. Allele origin: germline. Not counted in ClinVar's aggregate classification.
Comment: The c.898G>T variant in PAH is a missense variant predicted to cause substitution of alanine to serine at amino acid 300. This variant is rare in the general population with a frequency below the threshold expected for the associated phenotype(s). This variant has been observed in one or more individuals affected with the associated recessive disease, as either homozygous or compound heterozygous with a second variant (PMID: 18299955). Given the available evidence, this variant is classified as Pathogenic.

Variantyx, Inc.
Classification: Pathogenic for Autosomal recessive PAH-related disorders. Last evaluated: 2025-06-10. Review status: criteria provided, single submitter. Criteria: Variantyx Assertion Criteria 2022. Collection method: clinical testing. Allele origin: germline. Inheritance: Autosomal recessive inheritance. Affected: yes. Not counted in ClinVar's aggregate classification.
Comment: This is a nonsynonymous variant in the PAH gene (OMIM: 612349). Pathogenic variants in this gene have been associated with autosomal recessive PAH-related disorders. It has been associated with mild PKU phenotype and non-PKU mild hyperphenylalaninemia in the literature. Functional studies have shown that this variant alters PAH protein function (PMID: 15557004, 17935162, 18538294, 25596310, 26803807) (PS3) and multiple computational algorithms predict a deleterious effect for this variant (REVEL score: 0.944) (PP3). This variant has a 0.0604% maximum allele frequency in non-founder control populations. Based on the current evidence, this variant is classified as pathogenic for autosomal recessive PAH-related disorders.

First Genomix Gene Laboratory, Genetic Diagnostics Department
Classification: Pathogenic for Phenylketonuria. Last evaluated: 2025-01-14. Review status: criteria provided, single submitter. Criteria: ACMG Guidelines, 2015. Collection method: clinical testing. Allele origin: germline. Inheritance: Autosomal recessive inheritance. Affected: no. Observed: 1 variant allele. Not counted in ClinVar's aggregate classification.

Revvity Omics, Revvity
Classification: Pathogenic for Phenylketonuria. Last evaluated: 2024-09-04. Review status: criteria provided, single submitter. Criteria: ACMG Guidelines, 2015. Collection method: clinical testing. Allele origin: germline. Not counted in ClinVar's aggregate classification.

Blueprint Genetics
Classification: Pathogenic for PAH-related disorders. Last evaluated: 2024-08-05. Review status: criteria provided, single submitter. Criteria: ACMG Guidelines, 2015. Collection method: clinical testing. Allele origin: germline. Affected: yes. Observed: 5 variant alleles. Not counted in ClinVar's aggregate classification.

Genomic Medicine Center of Excellence, King Faisal Specialist Hospital and Research Centre
Classification: Pathogenic for Phenylketonuria. Last evaluated: 2024-03-17. Review status: criteria provided, single submitter. Criteria: ACMG Guidelines, 2015. Collection method: research. Allele origin: germline. Not counted in ClinVar's aggregate classification.

Department of Human Genetics, Hannover Medical School
Classification: Pathogenic for Phenylketonuria. Last evaluated: 2024-02-29. Review status: criteria provided, single submitter. Criteria: ACMG Guidelines, 2015. Collection method: clinical testing. Allele origin: germline. Affected: yes. Not counted in ClinVar's aggregate classification.

Laboratory of Medical Genetics, National & Kapodistrian University of Athens
Classification: Pathogenic for Phenylketonuria. Last evaluated: 2024-02-01. Review status: criteria provided, single submitter. Criteria: ACMG Guidelines, 2015. Collection method: curation. Allele origin: germline. Affected: no. Not counted in ClinVar's aggregate classification.

Intergen Genetics and Rare Diseases Diagnosis Center
Classification: Pathogenic for Phenylketonuria. Last evaluated: 2023-08-29. Review status: criteria provided, single submitter. Criteria: ACMG Guidelines, 2015. Collection method: clinical testing. Allele origin: unknown. Inheritance: Autosomal recessive inheritance. Affected: no. Observed: 1 heterozygote. Not counted in ClinVar's aggregate classification.

Institute for Medical Genetics and Human Genetics, Charité - Universitätsmedizin Berlin
Classification: Pathogenic for Phenylketonuria. Last evaluated: 2022-09-22. Review status: criteria provided, single submitter. Criteria: ACMG Guidelines, 2015. Collection method: clinical testing. Allele origin: germline. Inheritance: Autosomal recessive inheritance. Affected: yes. Observed: 2 homozygotes. Not counted in ClinVar's aggregate classification.

Institute of Immunology and Genetics Kaiserslautern
Classification: Pathogenic for Phenylketonuria. Last evaluated: 2022-07-26. Review status: criteria provided, single submitter. Criteria: ACMG Guidelines, 2015. Collection method: clinical testing. Allele origin: maternal. Affected: yes. Not counted in ClinVar's aggregate classification.
Comment: ACMG Criteria: PS3, PM3, PM5, PP2, PP5; Variant was found in compound heterozygous state with NM_000277.3:c.688G>A.

Laboratory for Molecular Medicine, Mass General Brigham Personalized Medicine
Classification: Pathogenic for Phenylketonuria. Last evaluated: 2022-06-30. Review status: criteria provided, single submitter. Criteria: ACMG Guidelines, 2015. Collection method: clinical testing. Allele origin: germline. Inheritance: Autosomal recessive inheritance. Not counted in ClinVar's aggregate classification.
Comment: The p.Ala300Ser variant in PAH is a well-established pathogenic variant in patients with phenylketonuria (Trefz 2009 PMID: 18956252, Heintz 2013 PMID: 23559577, Danecka 2015 PMID: 25596310), and is frequently associated with milder course and responsiveness to BH4 (Trefz 2009 PMID: 18956252, Heintz 2013 PMID: 23559577). In vitro functional studies provide some evidence that the p.Ala300Ser variant impacts protein function (Shen 2016 PMID: 26803807). This variant has been identified in 0.6% (67/10130) of Ashkenazi Jewish chromosomes by the Genome Aggregation Database (gnomAD; dbSNP rs5030853). Although this variant has been seen in the general population, its frequency is low enough to be consistent with a recessive carrier frequency. Computational prediction tools and conservation analysis suggest that the p.Ala300Ser variant may impact the protein, though this information is not predictive enough to determine pathogenicity. In summary, this variant meets criteria to be classified as pathogenic for phenylalanine hydroxylase deficiency in an autosomal recessive manner. ACMG/AMP Criteria applied PS3; PS4; PP3.

Fulgent Genetics
Classification: Pathogenic for Phenylketonuria. Last evaluated: 2022-05-30. Review status: criteria provided, single submitter. Criteria: ACMG Guidelines, 2015. Collection method: clinical testing. Allele origin: unknown. Not counted in ClinVar's aggregate classification.

Ambry Genetics
Classification: Pathogenic for Inborn genetic diseases. Last evaluated: 2022-05-09. Review status: criteria provided, single submitter. Criteria: Ambry Variant Classification Scheme 2023. Collection method: clinical testing. Allele origin: germline. Not counted in ClinVar's aggregate classification.
Comment: The c.898G>T (p.A300S) alteration is located in coding exon 8 of the PAH gene. This alteration results from a G to T substitution at nucleotide position 898, causing the alanine (A) at amino acid position 300 to be replaced by a serine (S). Based on data from gnomAD, the T allele has an overall frequency of 0.05% (152/282410) total alleles studied. The highest observed frequency was 0.69% (71/10350) of Ashkenazi Jewish alleles. This alteration has been reported in individuals both homozygous and compound heterozygous with a second disease-causing allele and is typically associated with mild PKU or hyperphenylalaninemia (Bercovich, 2008; Dobrowolski, 2011; Couce, 2013; R&eacute;blov&aacute;, 2013; Trunzo, 2013; Danecka, 2015; Jeannesson-Thivisol, 2015). Multiple studies have found that patients with this alteration are BH4-responsive (Zurfl&uuml;h, 2008; Jeannesson-Thivisol, 2015; Shen, 2016). This amino acid position is highly conserved in available vertebrate species. The p.A300 amino acid is located in the catalytic domain of the protein. The serine substitution is too large for the side chain and destabilization is due to the change of polarity of the catalytic domain's core (reviewed in Blau, 2004). Functional analysis demonstrated the p.A300S alteration reduces protein activity to approximately 30% of wild type activity (Zurfl&uuml;h, 2008; Shen, 2016). When co-expressed with other disease-causing alleles, residual activity has been reported from 5.2-18% of normal (Danecka, 2015; Shen, 2016). It has been determined that this alteration actually leads to conformational destabilization of the protein and increased degradation while the enzyme function remains intact (Gersting, 2008). This alteration is predicted to be deleterious by in silico analysis. Based on the available evidence, this alteration is classified as pathogenic.

MGZ Medical Genetics Center
Classification: Pathogenic for Phenylketonuria. Last evaluated: 2022-01-19. Review status: criteria provided, single submitter. Criteria: ACMG Guidelines, 2015. Collection method: clinical testing. Allele origin: germline. Affected: yes. Observed: 2 variant alleles. Not counted in ClinVar's aggregate classification.
Comment: ACMG criteria applied: PS3, PM3_STR, PP4_MOD, PP3

Genetics and Molecular Pathology, SA Pathology
Classification: Pathogenic for Phenylketonuria. Last evaluated: 2021-08-06. Review status: criteria provided, single submitter. Criteria: ACMG Guidelines, 2015. Collection method: clinical testing. Allele origin: germline. Inheritance: Autosomal recessive inheritance. Affected: yes. Not counted in ClinVar's aggregate classification.

Genome-Nilou Lab
Classification: Pathogenic for Phenylketonuria. Last evaluated: 2021-07-22. Review status: criteria provided, single submitter. Criteria: ACMG Guidelines, 2015. Collection method: clinical testing. Allele origin: germline. Affected: no. Not counted in ClinVar's aggregate classification.

Kariminejad - Najmabadi Pathology & Genetics Center
Classification: Pathogenic. Last evaluated: 2021-07-10. Review status: criteria provided, single submitter. Criteria: ACMG Guidelines, 2015. Collection method: clinical testing. Allele origin: germline. Not counted in ClinVar's aggregate classification.